The following is an entry in ClinVar:

ClinVar aggregate classification (germline): Likely benign (1 of 4 stars; one submission).

Submission:

GeneDx
Classification: Likely benign. Last evaluated: 2016-03-31. Review status: criteria provided, single submitter. Criteria: GeneDx Variant Classification (06012015). Collection method: clinical testing. Allele origin: germline. Affected: yes.
Comment: This variant is considered likely benign or benign based on one or more of the following criteria: it is a conservative change, it occurs at a poorly conserved position in the protein, it is predicted to be benign by multiple in silico algorithms, and/or has population frequency not consistent with disease.

NM_007294.4(BRCA1):c.3885G>A (p.Leu1295=)

Genes: BRCA1 (BRCA1 DNA repair associated; minus strand), LOC126862571 (BRD4-independent group 4 enhancer GRCh37_chr17:41243136-41244335; plus strand). Cytogenetic location: 17q21.31.
Variant type: single nucleotide variant.
Coding change: c.3885G>A on transcript NM_007294.4 (MANE Select); coding-DNA position 3885, G replaced by A.
Protein change: p.Leu1295=; no amino-acid change (leucine 1295 retained).
Molecular consequence: synonymous variant. On other transcripts: intron variant (135).
Genome position (GRCh38, 1-based): chr17:43,091,646, C>T on the plus strand (G>A on the coding strand, the complement: BRCA1 is on the minus strand). VCF-style: chr17-43091646-C-T. GRCh37 (hg19) VCF-style: chr17-41243663-C-T.
Other names: c.3885G>A, p.Leu1295= (NM_001407585.1, NM_001407581.1, NM_001407582.1 and 30 more transcripts); c.3672G>A, p.Leu1224= (NM_001407571.1, NM_001407853.1, NM_001407895.1 and 9 more transcripts); c.3882G>A, p.Leu1294= (NM_001407613.1, NM_001407587.1, NM_001407590.1 and 22 more transcripts); c.3876G>A, p.Leu1292= (NM_001407646.1, NM_001407647.1); c.3762G>A, p.Leu1254= (NM_001407648.1, NM_001407665.1, NM_001407666.1 and 19 more transcripts); c.3759G>A, p.Leu1253= (NM_001407649.1, NM_001407670.1, NM_001407671.1 and 11 more transcripts); c.3807G>A, p.Leu1269= (NM_001407653.1, NM_001407654.1, NM_001407655.1 and 4 more transcripts); c.3804G>A, p.Leu1268= (NM_001407659.1, NM_001407660.1, NM_001407661.1 and 1 more transcripts); and 41 more.
Identifiers: ClinVar variation 385291 (VCV000385291.2), dbSNP rs1057522176, ClinGen allele CA16607263.